The following is an entry in ClinVar:

ClinVar aggregate classification (germline): Uncertain significance (1 of 4 stars; one submission).

Conditions:
Gastrointestinal stromal tumor. Also called: Gastrointestinal stromal tumor, somatic; Gastrointestinal stroma tumor. Identifiers: Orphanet 44890, MedGen C0238198, MeSH D046152, MONDO:0011719, OMIM 606764, HP:0100723.

Submission:

Labcorp Genetics (formerly Invitae), Labcorp
Classification: Uncertain significance for Gastrointestinal stromal tumor. Last evaluated: 2025-06-29. Review status: criteria provided, single submitter. Criteria: Invitae Variant Classification Sherloc (09022015). Collection method: clinical testing. Allele origin: germline.
Comment: This sequence change replaces threonine, which is neutral and polar, with alanine, which is neutral and non-polar, at codon 355 of the PDGFRA protein (p.Thr355Ala). This variant is not present in population databases (gnomAD no frequency). This variant has not been reported in the literature in individuals affected with PDGFRA-related conditions. Invitae Evidence Modeling of protein sequence and biophysical properties (such as structural, functional, and spatial information, amino acid conservation, physicochemical variation, residue mobility, and thermodynamic stability) indicates that this missense variant is not expected to disrupt PDGFRA protein function with a negative predictive value of 80%. In summary, the available evidence is currently insufficient to determine the role of this variant in disease. Therefore, it has been classified as a Variant of Uncertain Significance.

NM_006206.6(PDGFRA):c.1063A>G (p.Thr355Ala)

Gene: PDGFRA (platelet derived growth factor receptor alpha; plus strand). Cytogenetic location: 4q12.
Variant type: single nucleotide variant.
Coding change: c.1063A>G on transcript NM_006206.6 (MANE Select); coding-DNA position 1063, A replaced by G.
Protein change: p.Thr355Ala; replaces threonine 355 with alanine.
Molecular consequence: missense variant.
Genome position (GRCh38, 1-based): chr4:54,267,683, A>G. VCF-style: chr4-54267683-A-G. GRCh37 (hg19) VCF-style: chr4-55133850-A-G.
Other names: c.1063A>G, p.Thr355Ala (NM_001347827.2, NM_001347829.2); c.1138A>G, p.Thr380Ala (NM_001347828.2); c.1102A>G, p.Thr368Ala (NM_001347830.2); short protein forms T355A, T380A, T368A.
Identifiers: ClinVar variation 4745875 (VCV004745875.1).